The following is an entry in ClinVar:

ClinVar aggregate classification (germline): Uncertain significance (1 of 4 stars; one submission).

gnomAD v4.1: 3 of 1,613,682 alleles (0.00019%); highest among the groups gnomAD compares: Non-Finnish European, 0.00025%; no homozygotes.

Submission:

Women's Health and Genetics/Laboratory Corporation of America, LabCorp
Classification: Uncertain significance. Last evaluated: 2022-10-12. Review status: criteria provided, single submitter. Criteria: LabCorp Variant Classification Summary - May 2015. Collection method: clinical testing. Allele origin: germline.
Comment: Variant summary: CNOT1 c.326C>A (p.Pro109His) results in a non-conservative amino acid change in the encoded protein sequence. Three of five in-silico tools predict a benign effect of the variant on protein function. The variant was absent in 251142 control chromosomes (gnomAD). The available data on variant occurrences in the general population are insufficient to allow any conclusion about variant significance. To our knowledge, no occurrence of c.326C>A in individuals affected with Vissers-Bodmer Syndrome and no experimental evidence demonstrating its impact on protein function have been reported. No clinical diagnostic laboratories have submitted clinical-significance assessments for this variant to ClinVar after 2014. Based on the evidence outlined above, the variant was classified as uncertain significance.

NM_016284.5(CNOT1):c.326C>A (p.Pro109His)

Gene: CNOT1 (CCR4-NOT transcription complex subunit 1; minus strand). Cytogenetic location: 16q21.
Variant type: single nucleotide variant.
Coding change: c.326C>A on transcript NM_016284.5 (MANE Select); coding-DNA position 326, C replaced by A.
Protein change: p.Pro109His; replaces proline 109 with histidine.
Molecular consequence: missense variant. On other transcripts: non-coding transcript variant (1).
Genome position (GRCh38, 1-based): chr16:58,587,397, G>T on the plus strand (C>A on the coding strand, the complement: CNOT1 is on the minus strand). VCF-style: chr16-58587397-G-T. GRCh37 (hg19) VCF-style: chr16-58621301-G-T.
Other names: c.326C>A, p.Pro109His (NM_001265612.2, NM_206999.3); short protein forms P109H.
Identifiers: ClinVar variation 1723303 (VCV001723303.1), dbSNP rs368657607, ClinGen allele CA396157384.